The following is an entry in ClinVar:

ClinVar aggregate classification (germline): Benign/Likely benign. Review status: criteria provided, multiple submitters, no conflicts (2 of 4 stars). 3 submissions from 3 submitters: Benign (2); Likely benign (1). Last evaluated 2025-06-01.

Allele frequency attached by ClinVar (database versions not stated): gnomAD exomes 0.00464 and 0.00467; 1000 Genomes Project 30x 0.00094; ExAC 0.00413; ESP Exome Variant Server 0.00446; 1000 Genomes Project 0.00080; gnomAD 0.00382 and 0.00396; TOPMed 0.00390.
gnomAD v4.1: 7,523 of 1,610,614 alleles (0.47%); highest among the groups gnomAD compares: Non-Finnish European, 0.44%; 55 homozygotes.

Submissions (3):

CeGaT Center for Human Genetics Tuebingen
Classification: Likely benign. Last evaluated: 2025-06-01. Review status: criteria provided, single submitter. Criteria: CeGaT Center For Human Genetics Tuebingen Variant Classification Criteria Version 2. Collection method: clinical testing. Allele origin: germline. Affected: yes. Observed: 4 variant alleles.
Comment: FMO5: BP4, BS2

Labcorp Genetics (formerly Invitae), Labcorp
Classification: Benign. Last evaluated: 2019-12-31. Review status: criteria provided, single submitter. Criteria: Invitae Variant Classification Sherloc (09022015). Collection method: clinical testing. Allele origin: germline.

Breakthrough Genomics
Classification: Benign. Review status: criteria provided, single submitter. Criteria: ACMG Guidelines, 2015. Collection method: not provided. Allele origin: germline. Inheritance: Unknown mechanism. Affected: yes.

NM_001461.4(FMO5):c.1172A>G (p.Gln391Arg)

Genes: CHD1L (chromodomain helicase DNA binding protein 1 like; plus strand), FMO5 (flavin containing dimethylaniline monoxygenase 5; minus strand). Cytogenetic location: 1q21.1.
Variant type: single nucleotide variant.
Coding change: c.1172A>G on transcript NM_001461.4 (MANE Select); coding-DNA position 1172, A replaced by G.
Protein change: p.Gln391Arg; replaces glutamine 391 with arginine.
Molecular consequence: missense variant. On other transcripts: intron variant (2).
Genome position (GRCh38, 1-based): chr1:147,201,163, T>C on the plus strand (A>G on the coding strand, the complement: FMO5 is on the minus strand). VCF-style: chr1-147201163-T-C. GRCh37 (hg19) VCF-style: chr1-146672745-T-C.
Other names: c.1172A>G, p.Gln391Arg (NM_001144829.3); c.-90+26578T>C (NM_001348451.2); c.830+7689A>G (NM_001144830.3); short protein forms Q391R.
Identifiers: ClinVar variation 781779 (VCV000781779.29), dbSNP rs56134376, ClinGen allele CA1062761.
Genomic context (GRCh38, chr1:147,201,163, plus strand): 5'-GTAAACATATCACCAAGTAATTAAGTAGTCTATTTGCATGGTCACTTACCTTTAAATACC[T>C]GAGTGGCCCAGCGTCCTTGGAGCTCTGAAATGGGCATAATGGCTCCTAAGGGCTGAATCA-3'
Protein context (NP_001452.2, residues 381-401): ISELQGRWAT[Gln391Arg]VFKGLKTLPS